The following is an entry in ClinVar:

NM_032888.4(COL27A1):c.2536G>T (p.Val846Leu)

Gene: COL27A1 (collagen type XXVII alpha 1 chain; plus strand). Cytogenetic location: 9q32.
Variant type: single nucleotide variant.
Coding change: c.2536G>T on transcript NM_032888.4 (MANE Select); coding-DNA position 2536, G replaced by T.
Protein change: p.Val846Leu; replaces valine 846 with leucine.
Molecular consequence: missense variant.
Genome position (GRCh38, 1-based): chr9:114,231,837, G>T. VCF-style: chr9-114231837-G-T. GRCh37 (hg19) VCF-style: chr9-116994117-G-T.
Other names: short protein forms V846L.
Identifiers: ClinVar variation 2179113 (VCV002179113.1), dbSNP rs200847358, ClinGen allele CA5201932.

ClinVar aggregate classification (germline): Uncertain significance (1 of 4 stars; one submission).

gnomAD v4.1: 15 of 1,614,080 alleles (0.00093%); highest among the groups gnomAD compares: South Asian, 0.0055%; no homozygotes.

Submission:

Labcorp Genetics (formerly Invitae), Labcorp
Classification: Uncertain significance. Last evaluated: 2022-02-06. Review status: criteria provided, single submitter. Criteria: Invitae Variant Classification Sherloc (09022015). Collection method: clinical testing. Allele origin: germline.
Comment: This sequence change replaces valine, which is neutral and non-polar, with leucine, which is neutral and non-polar, at codon 846 of the COL27A1 protein (p.Val846Leu). This variant is present in population databases (rs200847358, gnomAD 0.006%). This variant has not been reported in the literature in individuals affected with COL27A1-related conditions. Advanced modeling of protein sequence and biophysical properties (such as structural, functional, and spatial information, amino acid conservation, physicochemical variation, residue mobility, and thermodynamic stability) performed at Invitae indicates that this missense variant is not expected to disrupt COL27A1 protein function. In summary, the available evidence is currently insufficient to determine the role of this variant in disease. Therefore, it has been classified as a Variant of Uncertain Significance.